The following is an entry in ClinVar:

ClinVar aggregate classification (germline): Conflicting classifications of pathogenicity. Review status: criteria provided, conflicting classifications (1 of 4 stars). 3 submissions from 3 submitters: Uncertain significance (1); Likely benign (1). 1 of the submissions does not count toward it. Last evaluated 2022-05-24.

Conditions:
Ichthyosis, congenital, autosomal recessive 12 (ARCI12). Identifiers: MedGen C4310621, MONDO:0015018, OMIM 617320.

Submissions (3):

Women's Health and Genetics/Laboratory Corporation of America, LabCorp
Classification: Uncertain significance. Last evaluated: 2022-05-24. Review status: criteria provided, single submitter. Criteria: LabCorp Variant Classification Summary - May 2015. Collection method: clinical testing. Allele origin: germline.
Comment: Variant summary: CASP14 c.462_463delCA (p.Asp154GlufsX27) results in a premature termination codon, predicted to cause a truncation of the encoded protein or absence of the protein due to nonsense mediated decay, which are commonly known mechanisms for disease. The variant allele was found at a frequency of 0.00043 in 150844 control chromosomes, predominantly within the Latino subpopulation at a frequency of 0.0035 in the gnomAD database (v3.1 genomes dataset), including 1 homozygote. The observed variant frequency within Latino control individuals in the gnomAD database is approximately 14 fold of the estimated maximal expected allele frequency for a pathogenic variant in CASP14 causing (severe) Lamellar Ichthyosis phenotype (0.00025), suggesting that the variant is likely not associated with a severe, highly penetrant ichthyotic phenotype. On the other hand, the variant, c.462_463delCA, has also been reported in the literature in three homozygous individuals, from two families, who were affected with a mild form of ichthyosis, although phenotype details were provided only for one of these patients, describing whitish scales over body, without erythema or other symptoms (Kirchmeier_2017). These data indicate that the variant might be associated with a milder disease, possibly with incomplete penetrance. To our knowledge, no experimental evidence demonstrating an impact on protein function has been reported. No other truncations have been reported in affected individuals (HGMD). Two submitters have provided clinical-significance assessments for this variant in ClinVar after 2014 without evidence for independent evaluation, and classified the variant as pathogenic (n=1) or likely benign (n=1). Based on the evidence outlined above, the variant was classified as VUS-possibly pathogenic for a milder disease phenotype.

Labcorp Genetics (formerly Invitae), Labcorp
Classification: Likely benign. Last evaluated: 2019-12-31. Review status: criteria provided, single submitter. Criteria: Invitae Variant Classification Sherloc (09022015). Collection method: clinical testing. Allele origin: germline.

OMIM
Classification: Pathogenic for ICHTHYOSIS, CONGENITAL, AUTOSOMAL RECESSIVE 12. Last evaluated: 2017-01-27. Review status: no assertion criteria provided. Collection method: literature only. Allele origin: germline. Not counted in ClinVar's aggregate classification.

Literature cited by the submitters: PubMed 27494380 (cited by Women's Health and Genetics/Laboratory Corporation of America, LabCorp and OMIM).

NM_012114.3(CASP14):c.462_463del (p.Asp154fs)

Gene: CASP14 (caspase 14; plus strand). Cytogenetic location: 19p13.12.
Variant type: Deletion.
Coding change: c.462_463del on transcript NM_012114.3 (MANE Select); coding-DNA positions 462 to 463, 2 bases deleted (CA; older notation c.462_463delCA).
Protein change: p.Asp154fs; shifts the reading frame from aspartic acid 154.
Molecular consequence: frameshift variant.
Genome position (GRCh38, 1-based): chr19:15,055,216-15,055,217, CA deleted; deleting any 2 consecutive bases within chr19:15,055,215-15,055,217 gives the same sequence; the c. name uses the placement nearest the transcript's 3' end. VCF-style (leftmost placement, unchanged base first): chr19-15055214-GAC-G. GRCh37 (hg19) VCF-style: chr19-15166025-GAC-G.
Other names: c.462_463delCA (NM_012114.2); short protein forms D154fs.
Identifiers: ClinVar variation 375306 (VCV000375306.8), dbSNP rs769277893, ClinGen allele CA9260736.